The following is an entry in ClinVar:

ClinVar aggregate classification (germline): Pathogenic (1 of 4 stars; one submission).

Conditions:
Familial adenomatous polyposis 1 (FAP1). Also called: POLYPOSIS, ADENOMATOUS INTESTINAL; FAMILIAL ADENOMATOUS POLYPOSIS 1, ATTENUATED. Identifiers: MedGen C2713442, MONDO:0021056, OMIM 175100. Disease mechanism: loss of function.

Submission:

Labcorp Genetics (formerly Invitae), Labcorp
Classification: Pathogenic for Familial adenomatous polyposis 1. Last evaluated: 2022-01-18. Review status: criteria provided, single submitter. Criteria: Invitae Variant Classification Sherloc (09022015). Collection method: clinical testing. Allele origin: germline.
Comment: For these reasons, this variant has been classified as Pathogenic. This variant has not been reported in the literature in individuals affected with APC-related conditions. This variant is not present in population databases (gnomAD no frequency). This sequence change creates a premature translational stop signal (p.His325Glnfs*3) in the APC gene. It is expected to result in an absent or disrupted protein product. Loss-of-function variants in APC are known to be pathogenic (PMID: 17963004, 20685668).

Literature cited by the submitters: PubMed 17963004; PubMed 20685668.

NM_000038.6(APC):c.975_979del (p.His325fs)

Gene: APC (APC regulator of Wnt signaling pathway; plus strand). Cytogenetic location: 5q22.2.
Variant type: Deletion.
Coding change: c.975_979del on transcript NM_000038.6 (MANE Select); coding-DNA positions 975 to 979, 5 bases deleted (TGATA; older notation c.975_979delTGATA).
Protein change: p.His325fs; shifts the reading frame from histidine 325.
Molecular consequence: frameshift variant. On other transcripts: intron variant (4).
Genome position (GRCh38, 1-based): chr5:112,819,007-112,819,011, TGATA deleted; deleting any 5 consecutive bases within chr5:112,819,006-112,819,011 gives the same sequence; the c. name uses the placement nearest the transcript's 3' end. VCF-style (leftmost placement, unchanged base first): chr5-112819005-CATGAT-C. GRCh37 (hg19) VCF-style: chr5-112154702-CATGAT-C.
Other names: c.975_979del, p.His325fs (NM_001127510.3, NM_001354895.2, NM_001354896.2); c.921_925del, p.His307fs (NM_001127511.3); c.1005_1009del, p.His335fs (NM_001354897.2); c.900_904del, p.His300fs (NM_001354898.2); c.891_895del, p.His297fs (NM_001354899.2); c.798_802del, p.His266fs (NM_001354900.2, NM_001354901.2); c.126_130del, p.His42fs (NM_001354906.2); c.1005_1009delTGATA, p.His335Glnfs (NM_001407446.1); and 9 more; short protein forms H266fs, H42fs, H300fs, H325fs, H335fs, H297fs, H307fs.
Identifiers: ClinVar variation 2087502 (VCV002087502.4), dbSNP rs2533036717, ClinGen allele CA2580072459.